The following is an entry in ClinVar:

NM_004370.6(COL12A1):c.7514C>G (p.Thr2505Ser)

Gene: COL12A1 (collagen type XII alpha 1 chain; minus strand). Cytogenetic location: 6q13.
Variant type: single nucleotide variant.
Coding change: c.7514C>G on transcript NM_004370.6 (MANE Select); coding-DNA position 7514, C replaced by G.
Protein change: p.Thr2505Ser; replaces threonine 2505 with serine.
Molecular consequence: missense variant.
Genome position (GRCh38, 1-based): chr6:75,117,387, G>C on the plus strand (C>G on the coding strand, the complement: COL12A1 is on the minus strand). VCF-style: chr6-75117387-G-C. GRCh37 (hg19) VCF-style: chr6-75827103-G-C.
Other names: c.7514C>G, p.Thr2505Ser (NM_001424113.1); c.7493C>G, p.Thr2498Ser (NM_001424114.1); c.7241C>G, p.Thr2414Ser (NM_001424115.1); c.4022C>G, p.Thr1341Ser (NM_001424116.1, NM_080645.3); short protein forms T1341S, T2414S, T2498S, T2505S.
Identifiers: ClinVar variation 3751710 (VCV003751710.2).

ClinVar aggregate classification (germline): Uncertain significance (1 of 4 stars; one submission).

Conditions:
Ullrich congenital muscular dystrophy 2 (UCMD2). Identifiers: Orphanet 75840, MedGen C4225314, MONDO:0014654, OMIM 616470.
Bethlem myopathy 2 (BTHLM2). Identifiers: Orphanet 536516, Orphanet 610, MedGen C4225313, MONDO:0034022, OMIM 616471.

gnomAD v4.1: 1 of 1,612,968 alleles (0.000062%); highest among the groups gnomAD compares: Non-Finnish European, 0.000085%; no homozygotes.

Submission:

Labcorp Genetics (formerly Invitae), Labcorp
Classification: Uncertain significance for Bethlem myopathy 2; Ullrich congenital muscular dystrophy 2. Last evaluated: 2024-04-20. Review status: criteria provided, single submitter. Criteria: Invitae Variant Classification Sherloc (09022015). Collection method: clinical testing. Allele origin: germline.
Comment: This sequence change replaces threonine, which is neutral and polar, with serine, which is neutral and polar, at codon 2505 of the COL12A1 protein (p.Thr2505Ser). This variant is not present in population databases (gnomAD no frequency). This variant has not been reported in the literature in individuals affected with COL12A1-related conditions. Advanced modeling of protein sequence and biophysical properties (such as structural, functional, and spatial information, amino acid conservation, physicochemical variation, residue mobility, and thermodynamic stability) performed at Invitae indicates that this missense variant is not expected to disrupt COL12A1 protein function with a negative predictive value of 80%. In summary, the available evidence is currently insufficient to determine the role of this variant in disease. Therefore, it has been classified as a Variant of Uncertain Significance.